The following is an entry in ClinVar:

ClinVar aggregate classification (germline): Pathogenic (1 of 4 stars; one submission).

Conditions:
Hereditary cancer-predisposing syndrome. Also called: Tumor predisposition; Hereditary Cancer Syndrome; Hereditary neoplastic syndrome; Neoplastic Syndromes, Hereditary. Identifiers: Orphanet 140162, MedGen C0027672, MeSH D009386, MONDO:0015356.

Submission:

Ambry Genetics
Classification: Pathogenic for Hereditary cancer-predisposing syndrome. Last evaluated: 2023-07-14. Review status: criteria provided, single submitter. Criteria: Ambry Variant Classification Scheme 2023. Collection method: clinical testing. Allele origin: germline.
Comment: The c.1596delT variant, located in coding exon 13 of the BAP1 gene, results from a deletion of one nucleotide at nucleotide position 1596, causing a translational frameshift with a predicted alternate stop codon (p.F532Lfs*39). This variant is considered to be rare based on population cohorts in the Genome Aggregation Database (gnomAD). This alteration is expected to result in loss of function by premature protein truncation or nonsense-mediated mRNA decay. As such, this alteration is interpreted as a disease-causing mutation.

NM_004656.4(BAP1):c.1596del (p.Phe532fs)

Gene: BAP1 (BRCA1 associated deubiquitinase 1; minus strand). Cytogenetic location: 3p21.1.
Variant type: Deletion.
Coding change: c.1596del on transcript NM_004656.4 (MANE Select); coding-DNA position 1596, one base deleted (T; older notation c.1596delT).
Protein change: p.Phe532fs; shifts the reading frame from phenylalanine 532.
Molecular consequence: frameshift variant.
Genome position (GRCh38, 1-based): chr3:52,403,549, A deleted on the plus strand (T on the coding strand, the reverse complement: BAP1 is on the minus strand); the first of 5 consecutive A bases (chr3:52,403,549-52,403,553); deleting any one gives the same sequence. VCF-style (leftmost placement, unchanged base first): chr3-52403548-CA-C. GRCh37 (hg19) VCF-style: chr3-52437564-CA-C.
Other names: c.1542del, p.Phe514fs (NM_001410772.1); c.1596delT (NM_004656.2); short protein forms F532fs, F514fs.
Identifiers: ClinVar variation 2626734 (VCV002626734.2), dbSNP rs2471327880, ClinGen allele CA2582342858.